The following is an entry in ClinVar:

ClinVar aggregate classification (germline): Uncertain significance. Review status: criteria provided, multiple submitters, no conflicts (2 of 4 stars). 2 submissions from 2 submitters: Uncertain significance (2). Last evaluated 2025-10-28.

Conditions:
Cardiovascular phenotype. Identifiers: MedGen CN230736.

Submissions (2):

Ambry Genetics
Classification: Uncertain significance for Cardiovascular phenotype. Last evaluated: 2025-10-28. Review status: criteria provided, single submitter. Criteria: Ambry Variant Classification Scheme 2023. Collection method: clinical testing. Allele origin: germline.

Labcorp Genetics (formerly Invitae), Labcorp
Classification: Uncertain significance. Last evaluated: 2024-06-05. Review status: criteria provided, single submitter. Criteria: Invitae Variant Classification Sherloc (09022015). Collection method: clinical testing. Allele origin: germline.
Comment: This sequence change replaces methionine, which is neutral and non-polar, with threonine, which is neutral and polar, at codon 135 of the MFAP5 protein (p.Met135Thr). This variant is not present in population databases (gnomAD no frequency). This variant has not been reported in the literature in individuals affected with MFAP5-related conditions. An algorithm developed to predict the effect of missense changes on protein structure and function (PolyPhen-2) suggests that this variant is likely to be disruptive. In summary, the available evidence is currently insufficient to determine the role of this variant in disease. Therefore, it has been classified as a Variant of Uncertain Significance.

NM_003480.4(MFAP5):c.404T>C (p.Met135Thr)

Gene: MFAP5 (microfibril associated protein 5; minus strand). Cytogenetic location: 12p13.31.
Variant type: single nucleotide variant.
Coding change: c.404T>C on transcript NM_003480.4 (MANE Select); coding-DNA position 404, T replaced by C.
Protein change: p.Met135Thr; replaces methionine 135 with threonine.
Molecular consequence: missense variant. On other transcripts: non-coding transcript variant (2), intron variant (1).
Genome position (GRCh38, 1-based): chr12:8,649,506, A>G on the plus strand (T>C on the coding strand, the complement: MFAP5 is on the minus strand). VCF-style: chr12-8649506-A-G. GRCh37 (hg19) VCF-style: chr12-8802102-A-G.
Other names: c.404T>C (NM_003480.2); c.374T>C, p.Met125Thr (NM_001297709.2); c.338T>C, p.Met113Thr (NM_001297710.2); c.329T>C, p.Met110Thr (NM_001297711.2); c.218-1303T>C (NM_001297712.2); short protein forms M110T, M113T, M125T, M135T.
Identifiers: ClinVar variation 3709755 (VCV003709755.3).